The following continues an entry in ClinVar:

NM_001005242.3(PKP2):c.1481G>A (p.Trp494Ter)

Gene: PKP2. ClinVar aggregate classification (germline): Pathogenic. Pathogenic (15).

Submissions 11 to 15 of 15:

Division Of Personalized Genomic Medicine, Columbia University Irving Medical Center
Classification: Pathogenic for Arrhythmogenic right ventricular dysplasia 9. Last evaluated: 2019-10-31. Review status: criteria provided, single submitter. Criteria: ACMG Guidelines, 2015. Collection method: clinical testing. Allele origin: germline. Inheritance: Autosomal dominant inheritance. Observed: 1 heterozygote.
Comment: The c.1613G>A (p.Trp538Ter) variant is a single nucleotide substitution in the coding exon 7 (14 exons in total) of the PKP2 gene. This variant substitutes a tyrosine residue to a premature termination codon at amino acid position 538 (882 in total) and is predicted to result in nonsense-mediated mRNA decay (NMD). This variant was observed in the exome Genome Aggregation Database (gnomAD) with an overall allele frequency of 4/251382 (no homozygotes), indicating it is not a common benign variant in the populations represented in these databases. To the best of our knowledge, this variant has been reported several times in the literature with individuals with arrhythmogenic right ventricular dysplasia/cardiomyopathy 9, including some individuals with early onset symptoms (PMID: 16549640, 17010805, and 20031617). Age and gender have been reported to have influences on penetrance of this disease. In ClinVar, this variant has been classified as Pathogenic by multiple clinical laboratories.

Laboratory for Molecular Medicine, Mass General Brigham Personalized Medicine
Classification: Pathogenic for Arrhythmogenic right ventricular cardiomyopathy. Last evaluated: 2019-04-12. Review status: criteria provided, single submitter. Criteria: LMM Criteria. Collection method: clinical testing. Allele origin: germline. Inheritance: Autosomal dominant inheritance. Observed: 7 variant alleles.
Comment: The p.Trp538X variant in PKP2 has been reported in >15 individuals with arrhythmogenic right ventricular cardiomyopathy (ARVC) and segregated with disease in 3 affected relatives from 2 families (Dalal 2006, Den Haan 2009, Barahona Dussault 2009, Xu 2010, Tan 2010, Quarta 2011, Baskin 2013, Philips 2014, Adler 2016, LMM data). It was also identified in 1 child that died unexpectedly who also carried a pathogenic variant in CACNA1C (Dewar 2017) and has also been reported by other clinical laboratories in ClinVar (Variation ID 36680). Additionally, this variant was identified in 2 asymptomatic individuals (Perrin 2013) and in 0.03% (3/10078) of Ashkenazi Jewish chromosomes by gnomAD. Please note that for diseases with clinical variability or reduced penetrance, pathogenic variants may be present at a low frequency in the general population. This nonsense variant leads to a premature termination codon at position 538, which is predicted to lead to a truncated or absent protein. Loss of function of the PKP2 gene is strongly associated to autosomal dominant ARVC. In summary, this variant meets criteria to be classified as pathogenic for autosomal dominant ARVC. ACMG/AMP Criteria applied: PVS1, PS4, PM2, PP1.

HudsonAlpha Institute for Biotechnology
Classification: Pathogenic for Arrhythmogenic right ventricular dysplasia 9. Last evaluated: 2018-09-21. Review status: criteria provided, single submitter. Criteria: ACMG Guidelines, 2015. Collection method: research. Allele origin: unknown. Observed: 1 variant allele. Study: AGHI_GT.

Gharavi Laboratory, Columbia University
Classification: Pathogenic. Last evaluated: 2018-09-16. Review status: criteria provided, single submitter. Criteria: ACMG Guidelines, 2015. Collection method: research. Allele origin: germline. Affected: yes.

Human Genome Sequencing Center Clinical Lab, Baylor College of Medicine
Classification: Pathogenic for Arrhythmogenic right ventricular dysplasia 9. Last evaluated: 2017-11-10. Review status: criteria provided, single submitter. Criteria: ACMG Guidelines, 2015. Collection method: clinical testing. Allele origin: germline.
Comment: The c.1613G>A (p.Trp538*) nonsense variant in the PKP2 gene is predicted to introduce a premature translation termination codon. It has been reported in multiple unrelated patients with arrhythmogenic right ventricular cardiomyopathy (ARVC) [PMID 16549640, 19863551, 20031617, 20152563, 20857253, 21606390, 26743238]. This variant in the PKP2 gene is classified as pathogenic.

Literature cited by the submitters: PubMed 15489853 (cited by Labcorp Genetics (formerly Invitae), Labcorp); PubMed 17041889 (cited by Labcorp Genetics (formerly Invitae), Labcorp); PubMed 23911551 (cited by Labcorp Genetics (formerly Invitae), Labcorp); PubMed 16549640 (cited by 8 submitters); PubMed 19863551 (cited by 6 submitters); PubMed 20031617 (cited by 7 submitters); PubMed 20152563 (cited by 6 submitters); PubMed 26743238 (cited by 5 submitters); PubMed 17010805 (cited by 4 submitters); PubMed 21606390 (cited by 3 submitters); PubMed 23810883 (cited by 3 submitters); PubMed 23812740 (cited by Ambry Genetics and Laboratory for Molecular Medicine, Mass General Brigham Personalized Medicine); PubMed 24585727 (cited by 4 submitters); PubMed 28807990 (cited by 3 submitters); PubMed 29128982 (cited by Ambry Genetics); PubMed 30354609 (cited by Ambry Genetics); PubMed 30765282 (cited by Ambry Genetics); DOI 10.15829/1560-4071-2021-4692 (cited by Petrovsky National Research Centre of Surgery, The Federal Agency for Scientific Organizations); PubMed 32372669 (cited by AiLife Diagnostics); PubMed 31386562 (cited by AiLife Diagnostics); PubMed 25525159 (cited by AiLife Diagnostics); PubMed 31402444 (cited by AiLife Diagnostics); PubMed 31447099 (cited by AiLife Diagnostics); PubMed 18382419 (cited by Women's Health and Genetics/Laboratory Corporation of America, LabCorp); PubMed 19358943 (cited by Women's Health and Genetics/Laboratory Corporation of America, LabCorp); PubMed 20857253 (cited by Women's Health and Genetics/Laboratory Corporation of America, LabCorp and Laboratory for Molecular Medicine, Mass General Brigham Personalized Medicine).